The following is an entry in ClinVar:

ClinVar aggregate classification (germline): Benign/Likely benign. Review status: criteria provided, multiple submitters, no conflicts (2 of 4 stars). 5 submissions from 5 submitters: Benign (4); Likely benign (1). Last evaluated 2026-01-27.

Conditions:
Ectodermal dysplasia 11A, hypohidrotic/hair/tooth type, autosomal dominant. Identifiers: Orphanet 1810, Orphanet 238468, MedGen C3541517, MONDO:0013982, OMIM 614940.
Ectodermal dysplasia 11B, hypohidrotic/hair/tooth type, autosomal recessive. Identifiers: Orphanet 238468, Orphanet 248, MedGen C3539920, MONDO:0013983, OMIM 614941.
Hypohidrotic ectodermal dysplasia (HED). Identifiers: Orphanet 238468, MedGen C5848103, MONDO:0016535, HP:0007607.

Allele frequency attached by ClinVar (database versions not stated): gnomAD exomes 0.04672 and 0.02043; 1000 Genomes Project 30x 0.08307; ESP Exome Variant Server 0.00615; gnomAD 0.02304; ExAC 0.04400; 1000 Genomes Project 0.09105.
gnomAD v4.1: 33,775 of 1,612,996 alleles (2.1%); highest among the groups gnomAD compares: East Asian, 32%; 2,822 homozygotes.

Submissions (5):

Labcorp Genetics (formerly Invitae), Labcorp
Classification: Benign for Ectodermal dysplasia 11B, hypohidrotic/hair/tooth type, autosomal recessive; Ectodermal dysplasia 11A, hypohidrotic/hair/tooth type, autosomal dominant. Last evaluated: 2026-01-27. Review status: criteria provided, single submitter. Criteria: Invitae Variant Classification Sherloc (09022015). Collection method: clinical testing. Allele origin: germline.

Illumina Laboratory Services, Illumina
Classification: Benign for Hypohidrotic ectodermal dysplasia. Last evaluated: 2018-01-13. Review status: criteria provided, single submitter. Criteria: ICSL Variant Classification Criteria 13 December 2019. Collection method: clinical testing. Allele origin: germline.
Comment: This variant was observed in the ICSL laboratory as part of a predisposition screen in an ostensibly healthy population. It had not been previously curated by ICSL or reported in the Human Gene Mutation Database (HGMD: prior to June 1st, 2018), and was therefore a candidate for classification through an automated scoring system. Utilizing variant allele frequency, disease prevalence and penetrance estimates, and inheritance mode, an automated score was calculated to assess if this variant is too frequent to cause the disease. Based on the score and internal cut-off values, a variant classified as benign is not then subjected to further curation. The score for this variant resulted in a classification of benign for this disease.

GeneDx
Classification: Benign. Last evaluated: 2015-12-21. Review status: criteria provided, single submitter. Criteria: GeneDx Variant Classification (06012015). Collection method: clinical testing. Allele origin: germline. Affected: yes.
Comment: This variant is considered likely benign or benign based on one or more of the following criteria: it is a conservative change, it occurs at a poorly conserved position in the protein, it is predicted to be benign by multiple in silico algorithms, and/or has population frequency not consistent with disease.

Eurofins Ntd Llc (ga)
Classification: Benign. Last evaluated: 2015-07-28. Review status: criteria provided, single submitter. Criteria: EGL Classification Definitions 2015. Collection method: clinical testing. Allele origin: germline. Observed: 1 variant allele, 1 heterozygote.

Breakthrough Genomics
Classification: Likely benign. Review status: criteria provided, single submitter. Criteria: ACMG Guidelines, 2015. Collection method: not provided. Allele origin: germline. Inheritance: Autosomal recessive inheritance. Affected: yes.

NM_145861.4(EDARADD):c.60G>A (p.Glu20=)

Gene: EDARADD (EDAR associated via death domain; plus strand). Cytogenetic location: 1q42.3.
Variant type: single nucleotide variant.
Coding change: c.60G>A on transcript NM_145861.4 (MANE Select); coding-DNA position 60, G replaced by A.
Protein change: p.Glu20=; no amino-acid change (glutamic acid 20 retained).
Molecular consequence: synonymous variant.
Genome position (GRCh38, 1-based): chr1:236,394,504, G>A. VCF-style: chr1-236394504-G-A. GRCh37 (hg19) VCF-style: chr1-236557804-G-A.
Identifiers: ClinVar variation 282055 (VCV000282055.20), dbSNP rs60808129, ClinGen allele CA1469913.